The following is an entry in ClinVar:

ClinVar aggregate classification (germline): Uncertain significance (1 of 4 stars; one submission).

Submission:

Women's Health and Genetics/Laboratory Corporation of America, LabCorp
Classification: Uncertain significance. Last evaluated: 2024-10-07. Review status: criteria provided, single submitter. Criteria: LabCorp Variant Classification Summary - May 2015. Collection method: clinical testing. Allele origin: germline.
Comment: Variant summary: KMT2A c.9422G>A (p.Ser3141Asn) results in a conservative amino acid change in the encoded protein sequence. Four of five in-silico tools predict a benign effect of the variant on protein function. The variant was absent in 250944 control chromosomes. The available data on variant occurrences in the general population are insufficient to allow any conclusion about variant significance. To our knowledge, no occurrence of c.9422G>A in individuals affected with Wiedemann-Steiner Syndrome and no experimental evidence demonstrating its impact on protein function have been reported. No submitters have cited clinical-significance assessments for this variant to ClinVar. Based on the evidence outlined above, the variant was classified as uncertain significance.

NM_001197104.2(KMT2A):c.9422G>A (p.Ser3141Asn)

Gene: KMT2A (lysine methyltransferase 2A; plus strand). Cytogenetic location: 11q23.3.
Variant type: single nucleotide variant.
Coding change: c.9422G>A on transcript NM_001197104.2 (MANE Select); coding-DNA position 9422, G replaced by A.
Protein change: p.Ser3141Asn; replaces serine 3141 with asparagine.
Molecular consequence: missense variant.
Genome position (GRCh38, 1-based): chr11:118,505,314, G>A. VCF-style: chr11-118505314-G-A. GRCh37 (hg19) VCF-style: chr11-118376029-G-A.
Other names: c.9512G>A, p.Ser3171Asn (NM_001412597.1); c.9413G>A, p.Ser3138Asn (NM_005933.4); short protein forms S3138N, S3141N, S3171N.
Identifiers: ClinVar variation 3384901 (VCV003384901.1).